The following is an entry in ClinVar:

ClinVar aggregate classification (germline): Uncertain significance (1 of 4 stars; one submission).

Conditions:
Familial cancer of breast. Also called: Hereditary breast cancer; hereditary breast carcinoma; BREAST CANCER, FAMILIAL. Identifiers: Orphanet 227535, MedGen C0346153, MONDO:0016419, OMIM 114480. Disease mechanism: loss of function.

Submission:

Labcorp Genetics (formerly Invitae), Labcorp
Classification: Uncertain significance for Familial cancer of breast. Last evaluated: 2019-01-15. Review status: criteria provided, single submitter. Criteria: Invitae Variant Classification Sherloc (09022015). Collection method: clinical testing. Allele origin: germline.
Comment: In summary, the available evidence is currently insufficient to determine the role of this variant in disease. Therefore, it has been classified as a Variant of Uncertain Significance. This variant has not been reported in the literature in individuals with CHEK2-related conditions. This variant is not present in population databases (ExAC no frequency). This sequence change results in a frameshift in the CHEK2 gene (p.Arg521Glyfs*45). While this is not anticipated to result in nonsense mediated decay, it is expected to disrupt the last 23 amino acids of the CHEK2 protein and extend the protein by an additional 22 amino acids.

NM_007194.4(CHEK2):c.1561del (p.Arg521fs)

Gene: CHEK2 (checkpoint kinase 2; minus strand). Cytogenetic location: 22q12.1.
Variant type: Deletion.
Coding change: c.1561del on transcript NM_007194.4 (MANE Select); coding-DNA position 1561, one base deleted (C; older notation c.1561delC).
Protein change: p.Arg521fs; shifts the reading frame from arginine 521.
Molecular consequence: frameshift variant.
Genome position (GRCh38, 1-based): chr22:28,687,968, G deleted on the plus strand (C on the coding strand, the reverse complement: CHEK2 is on the minus strand). VCF-style (leftmost placement, unchanged base first): chr22-28687967-CG-C. GRCh37 (hg19) VCF-style: chr22-29083955-CG-C.
Other names: c.1690delC, p.Arg564Glyfs (NM_001005735.3); c.898delC, p.Arg300Glyfs (NM_001257387.3); c.1360delC, p.Arg454Glyfs (NM_001349956.3); c.1474delC, p.Arg492Glyfs (NM_145862.3); short protein forms R454fs, R564fs, R492fs, R521fs, R300fs.
Identifiers: ClinVar variation 854896 (VCV000854896.8), dbSNP rs2052187374, ClinGen allele CA916083789.